The following is an entry in ClinVar:

ClinVar aggregate classification (germline): Uncertain significance. Review status: criteria provided, multiple submitters, no conflicts (2 of 4 stars). 6 submissions from 6 submitters: Uncertain significance (5). 1 of the submissions does not count toward it. Last evaluated 2026-04-24.

Conditions:
TTN-related disorder. Also called: TTN-related disorders; TTN-related condition; TTN-related disease.
Cardiovascular phenotype. Identifiers: MedGen CN230736.
Autosomal recessive limb-girdle muscular dystrophy type 2J (LGMDR10). Also called: Limb-girdle muscular dystrophy, type 2J; MUSCULAR DYSTROPHY, LIMB-GIRDLE, AUTOSOMAL RECESSIVE 10. Identifiers: Orphanet 140922, MedGen C1837342, MONDO:0012127, OMIM 608807.
Dilated cardiomyopathy 1G (CMD1G). Identifiers: Orphanet 154, MedGen C1858763, MONDO:0011400, OMIM 604145.
Myopathy, myofibrillar, 9, with early respiratory failure (MFM9). Also called: EDSTROM MYOPATHY; MYOPATHY, PROXIMAL, WITH EARLY RESPIRATORY MUSCLE INVOLVEMENT; Hereditary myopathy with early respiratory failure; Myopathy, distal, with early respiratory failure, autosomal dominant. Identifiers: Orphanet 178464, Orphanet 34521, MedGen C1863599, MONDO:0011362, OMIM 603689.
Hypertrophic cardiomyopathy 9. Also called: Familial hypertrophic cardiomyopathy 9. Identifiers: MedGen C1861065, MONDO:0013412, OMIM 613765.
Early-onset myopathy with fatal cardiomyopathy (CMYO5). Also called: Salih Myopathy; CONGENITAL MYOPATHY 5 WITH CARDIOMYOPATHY. Identifiers: Orphanet 289377, MedGen C2673677, MONDO:0012714, OMIM 611705. Disease mechanism: loss of function.
Tibial muscular dystrophy (TMD). Also called: UDD MYOPATHY; Tibial muscular dystrophy, tardive; Udd Distal Myopathy – Tibial Muscular Dystrophy. Identifiers: Orphanet 609, MedGen C1838244, MONDO:0010870, OMIM 600334.

Allele frequency attached by ClinVar (database versions not stated): gnomAD exomes 0.00001; gnomAD 0.00002; TOPMed 0.00002; ExAC 0.00001.
gnomAD v4.1: 6 of 1,613,702 alleles (0.00037%); highest among the groups gnomAD compares: African/African-American, 0.008%; no homozygotes.

Submissions (6):

Women's Health and Genetics/Laboratory Corporation of America, LabCorp
Classification: Uncertain significance. Last evaluated: 2026-04-24. Review status: criteria provided, single submitter. Criteria: LabCorp Variant Classification Summary - May 2015. Collection method: clinical testing. Allele origin: germline.

Fulgent Genetics
Classification: Uncertain significance for Tibial muscular dystrophy; Myopathy, myofibrillar, 9, with early respiratory failure; Dilated cardiomyopathy 1G; Autosomal recessive limb-girdle muscular dystrophy type 2J; Early-onset myopathy with fatal cardiomyopathy; Hypertrophic cardiomyopathy 9. Last evaluated: 2021-10-22. Review status: criteria provided, single submitter. Criteria: ACMG Guidelines, 2015. Collection method: clinical testing. Allele origin: unknown.

Ambry Genetics
Classification: Uncertain significance for Cardiovascular phenotype. Last evaluated: 2019-10-18. Review status: criteria provided, single submitter. Criteria: Ambry Variant Classification Scheme 2023. Collection method: clinical testing. Allele origin: germline.
Comment: The p.E4406V variant (also known as c.13217A>T), located in coding exon 45 of the TTN gene, results from an A to T substitution at nucleotide position 13217. The glutamic acid at codon 4406 is replaced by valine, an amino acid with dissimilar properties. This amino acid position is highly conserved in available vertebrate species. In addition, this alteration is predicted to be tolerated by in silico analysis. Since supporting evidence is limited at this time, the clinical significance of this alteration remains unclear.

Revvity Omics, Revvity
Classification: Uncertain significance. Last evaluated: 2019-06-27. Review status: criteria provided, single submitter. Criteria: ACMG Guidelines, 2015. Collection method: clinical testing. Allele origin: germline.

Athena Diagnostics
Classification: Uncertain significance. Last evaluated: 2016-11-21. Review status: criteria provided, single submitter. Criteria: Athena Diagnostics Criteria. Collection method: clinical testing. Allele origin: germline.

PreventionGenetics, part of Exact Sciences
Classification: Uncertain significance for TTN-related condition. Last evaluated: 2024-05-14. Review status: no assertion criteria provided. Collection method: clinical testing. Allele origin: germline. Not counted in ClinVar's aggregate classification.
Comment: The TTN c.14306A>T variant is predicted to result in the amino acid substitution p.Glu4769Val. To our knowledge, this variant has not been reported in the literature. This variant is reported in 0.019% of alleles in individuals of African descent in gnomAD. At this time, the clinical significance of this variant is uncertain due to the absence of conclusive functional and genetic evidence.

NM_001267550.2(TTN):c.14306A>T (p.Glu4769Val)

Gene: TTN (titin; minus strand). Cytogenetic location: 2q31.2.
Variant type: single nucleotide variant.
Coding change: c.14306A>T on transcript NM_001267550.2 (MANE Select); coding-DNA position 14306, A replaced by T.
Protein change: p.Glu4769Val; replaces glutamic acid 4769 with valine.
Molecular consequence: missense variant.
Genome position (GRCh38, 1-based): chr2:178,738,147, T>A on the plus strand (A>T on the coding strand, the complement: TTN is on the minus strand). VCF-style: chr2-178738147-T-A. GRCh37 (hg19) VCF-style: chr2-179602874-T-A.
Other names: c.14306A>T (LRG_391t1); c.13355A>T, p.Glu4452Val (NM_001256850.1); c.13217A>T, p.Glu4406Val (NM_003319.4); c.10574A>T, p.Glu3525Val (NM_133378.4); c.13592A>T, p.Glu4531Val (NM_133432.3); c.13793A>T, p.Glu4598Val (NM_133437.4); short protein forms E4769V, E4531V, E4598V, E3525V, E4406V, E4452V.
Identifiers: ClinVar variation 448769 (VCV000448769.9), dbSNP rs763092484, ClinGen allele CA2002435.
Genomic context (GRCh38, chr2:178,738,147, plus strand): 5'-ACAGTTAGTGTGGCTGTACAGCTGACACTGCCATACTCATTGGAAGCTTTGCATGTATAC[T>A]CGCCGCAGTCAACCACCTGGGTTCTCAGGATTTCAAGGCTGGAGATATACTTTGAAGATC-3'
Protein context (NP_001254479.2, residues 4759-4779): ILRTQVVDCG[Glu4769Val]YTCKASNEYG